The following is an entry in ClinVar:

ClinVar aggregate classification (germline): Likely benign. Review status: criteria provided, multiple submitters, no conflicts (2 of 4 stars). 2 submissions from 2 submitters: Likely benign (2). Last evaluated 2026-07-24.

Conditions:
Cardiovascular phenotype. Identifiers: MedGen CN230736.

Allele frequency attached by ClinVar (database versions not stated): TOPMed below 0.00001; gnomAD 0.00001; gnomAD exomes below 0.00001.
gnomAD v4.1: 2 of 1,550,068 alleles (0.00013%); highest among the groups gnomAD compares: Non-Finnish European, 0.00017%; no homozygotes.

Submissions (2):

Ambry Genetics
Classification: Likely benign for Cardiovascular phenotype. Last evaluated: 2026-07-24. Review status: criteria provided, single submitter. Criteria: Ambry Variant Classification Scheme 2023. Collection method: clinical testing. Allele origin: germline.

CeGaT Center for Human Genetics Tuebingen
Classification: Likely benign. Last evaluated: 2023-10-01. Review status: criteria provided, single submitter. Criteria: CeGaT Center For Human Genetics Tuebingen Variant Classification Criteria Version 2. Collection method: clinical testing. Allele origin: germline. Affected: yes. Observed: 1 variant allele.
Comment: ZNF469: BP4, BP7

NM_001367624.2(ZNF469):c.5388T>C (p.Phe1796=)

Gene: ZNF469 (zinc finger protein 469; plus strand). Cytogenetic location: 16q24.2.
Variant type: single nucleotide variant.
Coding change: c.5388T>C on transcript NM_001367624.2 (MANE Select); coding-DNA position 5388, T replaced by C.
Protein change: p.Phe1796=; no amino-acid change (phenylalanine 1796 retained).
Molecular consequence: synonymous variant.
Genome position (GRCh38, 1-based): chr16:88,432,858, T>C. VCF-style: chr16-88432858-T-C. GRCh37 (hg19) VCF-style: chr16-88499266-T-C.
Other names: NM_001127464.1:c.5304T>C.
Identifiers: ClinVar variation 2646969 (VCV002646969.25), dbSNP rs1363570359, ClinGen allele CA497355547.
Genomic context (GRCh38, chr16:88,432,858, plus strand): 5'-CCTCCCAGAGCCCGGCACAGCAGACCAGCCCCACCGAGGGGCCCCTGCTCCAGAAGCTTT[T>C]GGCAGCCCTGCTGTCCATCTGGCCCCTGACTTGGCATTTCAGGGTGACGGGGCTCCACCT-3'
Protein context (NP_001354553.1, residues 1786-1806): PHRGAPAPEA[Phe1796=]GSPAVHLAPD